The following is an entry in ClinVar:

NM_000098.3(CPT2):c.698A>G (p.Glu233Gly)

Gene: CPT2 (carnitine palmitoyltransferase 2; plus strand). Cytogenetic location: 1p32.3.
Variant type: single nucleotide variant.
Coding change: c.698A>G on transcript NM_000098.3 (MANE Select); coding-DNA position 698, A replaced by G.
Protein change: p.Glu233Gly; replaces glutamic acid 233 with glycine.
Molecular consequence: missense variant.
Genome position (GRCh38, 1-based): chr1:53,210,372, A>G. VCF-style: chr1-53210372-A-G. GRCh37 (hg19) VCF-style: chr1-53676044-A-G.
Other names: c.698A>G, p.Glu233Gly (NM_001330589.2); short protein forms E233G.
Identifiers: ClinVar variation 645891 (VCV000645891.5), dbSNP rs144805101, ClinGen allele CA859036.

ClinVar aggregate classification (germline): Uncertain significance. Review status: criteria provided, multiple submitters, no conflicts (2 of 4 stars). 3 submissions from 3 submitters: Uncertain significance (2). 1 of the submissions does not count toward it. Last evaluated 2023-06-08.

Conditions:
Carnitine palmitoyltransferase II deficiency. Also called: Carnitine Palmitoyltransferase 2 Deficiency. Identifiers: Orphanet 157, MedGen C0342790, MONDO:0015515.

Allele frequency attached by ClinVar (database versions not stated): ExAC 0.00001; gnomAD 0.00001; gnomAD exomes 0.00001; TOPMed 0.00002; ESP Exome Variant Server 0.00008.
gnomAD v4.1: 10 of 1,614,006 alleles (0.00062%); highest among the groups gnomAD compares: Non-Finnish European, 0.00076%; no homozygotes.

Submissions (3):

Blueprint Genetics
Classification: Uncertain significance. Last evaluated: 2023-06-08. Review status: criteria provided, single submitter. Criteria: ACMG Guidelines, 2015. Collection method: clinical testing. Allele origin: germline.

Labcorp Genetics (formerly Invitae), Labcorp
Classification: Uncertain significance for Carnitine palmitoyltransferase II deficiency. Last evaluated: 2022-08-16. Review status: criteria provided, single submitter. Criteria: Invitae Variant Classification Sherloc (09022015). Collection method: clinical testing. Allele origin: germline.
Comment: This sequence change replaces glutamic acid, which is acidic and polar, with glycine, which is neutral and non-polar, at codon 233 of the CPT2 protein (p.Glu233Gly). This variant is present in population databases (rs144805101, gnomAD 0.002%). This variant has not been reported in the literature in individuals affected with CPT2-related conditions. ClinVar contains an entry for this variant (Variation ID: 645891). Advanced modeling of protein sequence and biophysical properties (such as structural, functional, and spatial information, amino acid conservation, physicochemical variation, residue mobility, and thermodynamic stability) performed at Invitae indicates that this missense variant is not expected to disrupt CPT2 protein function. In summary, the available evidence is currently insufficient to determine the role of this variant in disease. Therefore, it has been classified as a Variant of Uncertain Significance.

Natera, Inc.
Classification: Uncertain significance for Carnitine palmitoyltransferase II deficiency. Last evaluated: 2020-09-16. Review status: no assertion criteria provided. Collection method: clinical testing. Allele origin: germline. Not counted in ClinVar's aggregate classification.